The following is an entry in ClinVar:

ClinVar aggregate classification (germline): Uncertain significance (1 of 4 stars; one submission).

Submission:

GeneDx
Classification: Uncertain significance. Last evaluated: 2022-02-04. Review status: criteria provided, single submitter. Criteria: GeneDx Variant Classification Process June 2021. Collection method: clinical testing. Allele origin: germline. Affected: yes.
Comment: Not observed at significant frequency in large population cohorts (gnomAD); In silico analysis supports that this missense variant has a deleterious effect on protein structure/function; Has not been previously published as pathogenic or benign to our knowledge

NM_001385012.1(NBEA):c.1087A>G (p.Asn363Asp)

Gene: NBEA (neurobeachin; plus strand). Cytogenetic location: 13q13.3.
Variant type: single nucleotide variant.
Coding change: c.1087A>G on transcript NM_001385012.1 (MANE Select); coding-DNA position 1087, A replaced by G.
Protein change: p.Asn363Asp; replaces asparagine 363 with aspartic acid.
Molecular consequence: missense variant.
Genome position (GRCh38, 1-based): chr13:35,056,124, A>G. VCF-style: chr13-35056124-A-G. GRCh37 (hg19) VCF-style: chr13-35630261-A-G.
Other names: c.1087A>G, p.Asn363Asp (NM_001379245.1, NM_015678.5); short protein forms N363D.
Identifiers: ClinVar variation 1700382 (VCV001700382.2), dbSNP rs2152566156, ClinGen allele CA387964743.